The following is an entry in ClinVar:

NC_000007.14:g.(5987621_5989799)_(5992058_5995533)del

Gene: PMS2 (PMS1 homolog 2, mismatch repair system component; minus strand). Cytogenetic location: 7p22.1.
Variant type: Deletion.
Identifiers: ClinVar variation 982014 (VCV000982014.1).

ClinVar aggregate classification (germline): Pathogenic (1 of 4 stars; one submission).

Conditions:
Hereditary nonpolyposis colon cancer (HNPCC). Also called: Hereditary nonpolyposis colorectal cancer; Familial nonpolyposis colon cancer; Hereditary Nonpolyposis Colorectal Cancer Syndrome. Identifiers: Orphanet 443909, MedGen C1333990, MONDO:0018630. Disease mechanism: loss of function.

Submission:

Women's Health and Genetics/Laboratory Corporation of America, LabCorp
Classification: Pathogenic for Hereditary nonpolyposis colon cancer. Last evaluated: 2020-08-26. Review status: criteria provided, single submitter. Criteria: LabCorp Variant Classification Summary - May 2015. Collection method: clinical testing. Allele origin: germline.
Comment: Variant summary: The variant identified by MLPA or other technology involves the deletion of exons 9-10 in the PMS2 gene. A presumed nomenclature of c.(903+1_904-1)_(1144+1_1145-1)del has been designated for the purposes of this classification. Although exact breakpoints of this deletion are not known, it is expected to result in a frameshift deletion change in the PMS2 gene, a known mechanism of disease. The variant was absent in 21694 control chromosomes (gnomAD structural variants dataset). The variant, c.(903+1_904-1)_(1144+1_1145-1)del, has been reported in the literature in individuals affected with Hereditary Nonpolyposis Colorectal Cancer (e.g. Senter_2008, Talseth-Palmer_2010, Vaughn_2010, Pearlman_2019), and in several of these cases the associated tumors showed isolated loss of PMS2 by immunohistochemistry and demonstrated microsatellite instability (Senter_2008, Vaughn_2010, Pearlman_2019). These data indicate that the variant is likely to be associated with disease. Two clinical diagnostic laboratories have submitted clinical-significance assessments for this variant to ClinVar after 2014 without evidence for independent evaluation, and both of them classified the variant as pathogenic. Based on the evidence outlined above, the variant was classified as pathogenic.

Literature cited by the submitters: PubMed 20205264; PubMed 20487569; PubMed 18602922; PubMed 25856668; PubMed 30877237.